The following is an entry in ClinVar:

NM_021076.4(NEFH):c.2170T>C (p.Ser724Pro)

Gene: NEFH (neurofilament heavy chain; plus strand). Cytogenetic location: 22q12.2.
Variant type: single nucleotide variant.
Coding change: c.2170T>C on transcript NM_021076.4 (MANE Select); coding-DNA position 2170, T replaced by C.
Protein change: p.Ser724Pro; replaces serine 724 with proline.
Molecular consequence: missense variant.
Genome position (GRCh38, 1-based): chr22:29,489,810, T>C. VCF-style: chr22-29489810-T-C. GRCh37 (hg19) VCF-style: chr22-29885799-T-C.
Other names: short protein forms S724P.
Identifiers: ClinVar variation 2978115 (VCV002978115.3), dbSNP rs2517978504, ClinGen allele CA411136269.

ClinVar aggregate classification (germline): Uncertain significance (1 of 4 stars; one submission).

Allele frequency attached by ClinVar (database versions not stated): gnomAD exomes 0.00001.
gnomAD v4.1: 3 of 1,601,452 alleles (0.00019%); highest among the groups gnomAD compares: Non-Finnish European, 0.00025%; no homozygotes.

Submission:

Labcorp Genetics (formerly Invitae), Labcorp
Classification: Uncertain significance. Last evaluated: 2023-11-01. Review status: criteria provided, single submitter. Criteria: Invitae Variant Classification Sherloc (09022015). Collection method: clinical testing. Allele origin: germline.
Comment: This sequence change replaces serine, which is neutral and polar, with proline, which is neutral and non-polar, at codon 724 of the NEFH protein (p.Ser724Pro). This variant is not present in population databases (gnomAD no frequency). This variant has not been reported in the literature in individuals affected with NEFH-related conditions. Advanced modeling of protein sequence and biophysical properties (such as structural, functional, and spatial information, amino acid conservation, physicochemical variation, residue mobility, and thermodynamic stability) performed at Invitae indicates that this missense variant is not expected to disrupt NEFH protein function with a negative predictive value of 95%. In summary, the available evidence is currently insufficient to determine the role of this variant in disease. Therefore, it has been classified as a Variant of Uncertain Significance.